The following is an entry in ClinVar:

NM_174934.4(SCN4B):c.89_94delinsAGCGACACCCTGT (p.Ser30_Glu32delinsTer)

Gene: SCN4B (sodium voltage-gated channel beta subunit 4; minus strand). Cytogenetic location: 11q23.3.
Variant type: Indel.
Coding change: c.89_94delinsAGCGACACCCTGT on transcript NM_174934.4 (MANE Select); coding-DNA positions 89 to 94, CGCTGG replaced by AGCGACACCCTGT.
Protein change: p.Ser30_Glu32delinsTer.
Molecular consequence: nonsense. On other transcripts: 5 prime UTR variant (1), non-coding transcript variant (1), intron variant (1).
Genome position (GRCh38, 1-based): chr11:118,145,197-118,145,202, CCAGCG replaced by ACAGGGTGTCGCT on the plus strand (CGCTGG replaced by AGCGACACCCTGT on the coding strand, the reverse complement: SCN4B is on the minus strand). VCF-style: chr11-118145197-CCAGCG-ACAGGGTGTCGCT. GRCh37 (hg19) VCF-style: chr11-118015912-CCAGCG-ACAGGGTGTCGCT.
Other names: c.-242_-237delinsAGCGACACCCTGT (NM_001142349.2); c.62-3866_62-3861delinsAGCGACACCCTGT (NM_001142348.2).
Identifiers: ClinVar variation 856814 (VCV000856814.1), dbSNP rs1948156091, ClinGen allele CA916081655.

ClinVar aggregate classification (germline): Uncertain significance (1 of 4 stars; one submission).

Conditions:
Long QT syndrome 10 (LQT10). Identifiers: Orphanet 101016, Orphanet 768, MedGen C2678484, MONDO:0012737, OMIM 611819.

Submission:

Labcorp Genetics (formerly Invitae), Labcorp
Classification: Uncertain significance for Long QT syndrome 10. Last evaluated: 2019-03-07. Review status: criteria provided, single submitter. Criteria: Invitae Variant Classification Sherloc (09022015). Collection method: clinical testing. Allele origin: germline.
Comment: This sequence change creates a premature translational stop signal (p.Ser30*) in the SCN4B gene. It is expected to result in an absent or disrupted protein product. This variant is not present in population databases (ExAC no frequency). This variant has not been reported in the literature in individuals with SCN4B-related conditions. The current clinical and genetic evidence is not sufficient to establish whether loss-of-function variants in SCN4B cause disease. In summary, the available evidence is currently insufficient to determine the role of this variant in disease. Therefore, it has been classified as a Variant of Uncertain Significance.